The following is an entry in ClinVar:

ClinVar aggregate classification (germline): Uncertain significance (1 of 4 stars; one submission).

Submission:

Labcorp Genetics (formerly Invitae), Labcorp
Classification: Uncertain significance. Last evaluated: 2025-07-03. Review status: criteria provided, single submitter. Criteria: Invitae Variant Classification Sherloc (09022015). Collection method: clinical testing. Allele origin: germline.
Comment: This sequence change replaces histidine, which is basic and polar, with arginine, which is basic and polar, at codon 522 of the CDK13 protein (p.His522Arg). This variant is not present in population databases (gnomAD no frequency). This variant has not been reported in the literature in individuals affected with CDK13-related conditions. Invitae Evidence Modeling of protein sequence and biophysical properties (such as structural, functional, and spatial information, amino acid conservation, physicochemical variation, residue mobility, and thermodynamic stability) indicates that this missense variant is not expected to disrupt CDK13 protein function with a negative predictive value of 95%. In summary, the available evidence is currently insufficient to determine the role of this variant in disease. Therefore, it has been classified as a Variant of Uncertain Significance.

NM_003718.5(CDK13):c.1565A>G (p.His522Arg)

Gene: CDK13 (cyclin dependent kinase 13; plus strand). Cytogenetic location: 7p14.1.
Variant type: single nucleotide variant.
Coding change: c.1565A>G on transcript NM_003718.5 (MANE Select); coding-DNA position 1565, A replaced by G.
Protein change: p.His522Arg; replaces histidine 522 with arginine.
Molecular consequence: missense variant.
Genome position (GRCh38, 1-based): chr7:39,987,952, A>G. VCF-style: chr7-39987952-A-G. GRCh37 (hg19) VCF-style: chr7-40027551-A-G.
Other names: c.1565A>G, p.His522Arg (NM_031267.4); short protein forms H522R.
Identifiers: ClinVar variation 4780361 (VCV004780361.1).
Genomic context (GRCh38, chr7:39,987,952, plus strand): 5'-CTAGTGCCAGTGCATCACAAACAAACCATGTGAAGGATGTGAAGAAAATTAAAATTGAAC[A>G]TGCACCTTCTCCCTCAAGTGGTGGAACTTTAAAAAATGACAAAGCAAAAACAAAGCCACC-3'
Protein context (NP_003709.3, residues 512-532): VKDVKKIKIE[His522Arg]APSPSSGGTL